The following is an entry in ClinVar:

NC_000008.10:g.(?_100587866)_(100589881_?)del

Gene: VPS13B (vacuolar protein sorting 13 homolog B; plus strand). Cytogenetic location: 8q22.2.
Variant type: Deletion.
Identifiers: ClinVar variation 3245453 (VCV003245453.1).

ClinVar aggregate classification (germline): Pathogenic (1 of 4 stars; one submission).

Conditions:
Cohen syndrome (COH1). Also called: Cutis verticis gyrata, retinitis pigmentosa, and sensorineural deafness; PEPPER SYNDROME. Identifiers: Orphanet 193, MedGen C0265223, MONDO:0008999, OMIM 216550.

Submission:

Labcorp Genetics (formerly Invitae), Labcorp
Classification: Pathogenic for Cohen syndrome. Last evaluated: 2023-12-27. Review status: criteria provided, single submitter. Criteria: Invitae Variant Classification Sherloc (09022015). Collection method: clinical testing. Allele origin: unknown.
Comment: This variant is a gross deletion of the genomic region encompassing exon(s) 32-33 of the VPS13B gene. This deletion is out-of-frame, and is expected to create a premature termination codon and result in an absent or disrupted protein product. Loss-of-function variants in VPS13B are known to be pathogenic (PMID: 15141358, 16648375, 20461111). A similar copy number variant has been observed in individual(s) with clinical features of Cohen syndrome (PMID: 30602132). For these reasons, this variant has been classified as Pathogenic.

Literature cited by the submitters: PubMed 15141358; PubMed 16648375; PubMed 20461111; PubMed 30602132.